The following is an entry in ClinVar:

ClinVar aggregate classification (germline): Uncertain significance (1 of 4 stars; one submission).

Allele frequency attached by ClinVar (database versions not stated): TOPMed below 0.00001.
gnomAD v4.1: 1 of 1,606,858 alleles (0.000062%); highest among the groups gnomAD compares: Non-Finnish European, 0.000085%; no homozygotes.

Submission:

GeneDx
Classification: Uncertain significance. Last evaluated: 2021-01-12. Review status: criteria provided, single submitter. Criteria: GeneDx Variant Classification Process June 2021. Collection method: clinical testing. Allele origin: germline. Affected: yes.
Comment: Not observed in large population cohorts (Lek et al., 2016); In silico analysis supports that this missense variant does not alter protein structure/function; Has not been previously published as pathogenic or benign to our knowledge

NM_013296.5(GPSM2):c.1195G>C (p.Val399Leu)

Gene: GPSM2 (G protein signaling modulator 2; plus strand). Cytogenetic location: 1p13.3.
Variant type: single nucleotide variant.
Coding change: c.1195G>C on transcript NM_013296.5 (MANE Select); coding-DNA position 1195, G replaced by C.
Protein change: p.Val399Leu; replaces valine 399 with leucine.
Molecular consequence: missense variant.
Genome position (GRCh38, 1-based): chr1:108,914,340, G>C. VCF-style: chr1-108914340-G-C. GRCh37 (hg19) VCF-style: chr1-109456962-G-C.
Other names: c.1195G>C, p.Val399Leu (NM_001321038.2, NM_001321039.3); short protein forms V399L.
Identifiers: ClinVar variation 1195647 (VCV001195647.2), dbSNP rs895587017, ClinGen allele CA341468171.